The following is an entry in ClinVar:

ClinVar aggregate classification (germline): Uncertain significance. Review status: criteria provided, multiple submitters, no conflicts (2 of 4 stars). 2 submissions from 2 submitters: Uncertain significance (2). Last evaluated 2023-12-18.

Conditions:
Duchenne muscular dystrophy (DMD). Also called: MUSCULAR DYSTROPHY, PSEUDOHYPERTROPHIC PROGRESSIVE, DUCHENNE TYPE; Duchenne Muscular Dystrophy (DMD). Identifiers: Orphanet 98896, MedGen C0013264, MONDO:0010679, OMIM 310200.

gnomAD v4.1: 2 of 1,211,409 alleles (0.00017%); highest among the groups gnomAD compares: Middle Eastern, 0.023%; no homozygotes.

Submissions (2):

Revvity Omics, Revvity
Classification: Uncertain significance. Last evaluated: 2023-12-18. Review status: criteria provided, single submitter. Criteria: ACMG Guidelines, 2015. Collection method: clinical testing. Allele origin: germline.

Labcorp Genetics (formerly Invitae), Labcorp
Classification: Uncertain significance for Duchenne muscular dystrophy. Last evaluated: 2023-05-08. Review status: criteria provided, single submitter. Criteria: Invitae Variant Classification Sherloc (09022015). Collection method: clinical testing. Allele origin: germline.
Comment: In summary, the available evidence is currently insufficient to determine the role of this variant in disease. Therefore, it has been classified as a Variant of Uncertain Significance. Advanced modeling of protein sequence and biophysical properties (such as structural, functional, and spatial information, amino acid conservation, physicochemical variation, residue mobility, and thermodynamic stability) performed at Invitae indicates that this missense variant is not expected to disrupt DMD protein function. ClinVar contains an entry for this variant (Variation ID: 1523559). This sequence change replaces leucine, which is neutral and non-polar, with phenylalanine, which is neutral and non-polar, at codon 1919 of the DMD protein (p.Leu1919Phe). This variant is not present in population databases (gnomAD no frequency). This variant has not been reported in the literature in individuals affected with DMD-related conditions.

NM_004006.3(DMD):c.5757G>T (p.Leu1919Phe)

Gene: DMD (dystrophin; minus strand). Cytogenetic location: Xp21.1.
Variant type: single nucleotide variant.
Coding change: c.5757G>T on transcript NM_004006.3 (MANE Select); coding-DNA position 5757, G replaced by T.
Protein change: p.Leu1919Phe; replaces leucine 1919 with phenylalanine.
Molecular consequence: missense variant.
Genome position (GRCh38, 1-based): chrX:32,342,265, C>A on the plus strand (G>T on the coding strand, the complement: DMD is on the minus strand). VCF-style: chrX-32342265-C-A. GRCh37 (hg19) VCF-style: chrX-32360382-C-A.
Other names: c.5733G>T, p.Leu1911Phe (NM_000109.4); c.5745G>T, p.Leu1915Phe (NM_004009.3); c.5388G>T, p.Leu1796Phe (NM_004010.3); c.1734G>T, p.Leu578Phe (NM_004011.4); c.1725G>T, p.Leu575Phe (NM_004012.4); c.5757G>T (NM_004006.2); short protein forms L1796F, L1915F, L578F, L1911F, L575F, L1919F.
Identifiers: ClinVar variation 1523559 (VCV001523559.9), dbSNP rs2148813593, ClinGen allele CA412665315.